The following is an entry in ClinVar:

ClinVar aggregate classification (germline): Uncertain significance (1 of 4 stars; one submission).

Submission:

GeneDx
Classification: Uncertain significance. Last evaluated: 2025-05-29. Review status: criteria provided, single submitter. Criteria: GeneDx Variant Classification Process June 2021. Collection method: clinical testing. Allele origin: germline. Affected: yes.
Comment: Not observed at significant frequency in large population cohorts (gnomAD); Reported using an alternate transcript of the gene; In silico analysis does not support a benign or deleterious effect of this variant on protein structure/function

NM_000238.4(KCNH2):c.2398+72A>C

Gene: KCNH2 (potassium voltage-gated channel subfamily H member 2; minus strand). Cytogenetic location: 7q36.1.
Variant type: single nucleotide variant.
Coding change: c.2398+72A>C on transcript NM_000238.4 (MANE Select); 72 bases into the intron after coding-DNA position 2398, A replaced by C.
Molecular consequence: intron variant. On other transcripts: missense variant (5).
Genome position (GRCh38, 1-based): chr7:150,950,096, T>G on the plus strand (A>C on the coding strand, the complement: KCNH2 is on the minus strand). VCF-style: chr7-150950096-T-G. GRCh37 (hg19) VCF-style: chr7-150647184-T-G.
Other names: c.1450A>C, p.Met484Leu (NM_001204798.2); c.2293A>C, p.Met765Leu (NM_001406755.1); c.2182A>C, p.Met728Leu (NM_001406756.1); c.2170A>C, p.Met724Leu (NM_001406757.1); c.2470A>C, p.Met824Leu (NM_172056.3); c.2110+72A>C (NM_001406753.1); c.1378+72A>C (NM_172057.3); short protein forms M484L, M724L, M728L, M765L, M824L.
Identifiers: ClinVar variation 4532656 (VCV004532656.1).